The following is an entry in ClinVar:

NM_004360.5(CDH1):c.2183T>A (p.Leu728Ter)

Gene: CDH1 (cadherin 1; plus strand). Cytogenetic location: 16q22.1.
Variant type: single nucleotide variant.
Coding change: c.2183T>A on transcript NM_004360.5 (MANE Select); coding-DNA position 2183, T replaced by A.
Protein change: p.Leu728Ter; replaces leucine 728 with a stop codon.
Molecular consequence: nonsense.
Genome position (GRCh38, 1-based): chr16:68,828,192, T>A. VCF-style: chr16-68828192-T-A. GRCh37 (hg19) VCF-style: chr16-68862095-T-A.
Other names: c.2000T>A, p.Leu667Ter (NM_001317184.2); c.635T>A, p.Leu212Ter (NM_001317185.2); c.218T>A, p.Leu73Ter (NM_001317186.2); short protein forms L667*, L212*, L728*, L73*.
Identifiers: ClinVar variation 2101142 (VCV002101142.5), dbSNP rs2152141391, ClinGen allele CA396469341.

ClinVar aggregate classification (germline): Pathogenic (1 of 4 stars; one submission).

Conditions:
Hereditary diffuse gastric adenocarcinoma (HDGC). Also called: DIFFUSE GASTRIC AND LOBULAR BREAST CANCER SYNDROME. Identifiers: Orphanet 26106, MedGen C1708349, MONDO:0007648, OMIM 137215.

Submissions (2):

Labcorp Genetics (formerly Invitae), Labcorp
Classification: Pathogenic for Hereditary diffuse gastric adenocarcinoma. Last evaluated: 2022-02-21. Review status: criteria provided, single submitter. Criteria: Invitae Variant Classification Sherloc (09022015). Collection method: clinical testing. Allele origin: germline.
Comment: This sequence change creates a premature translational stop signal (p.Leu728*) in the CDH1 gene. It is expected to result in an absent or disrupted protein product. Loss-of-function variants in CDH1 are known to be pathogenic (PMID: 15235021, 20373070). This variant is not present in population databases (gnomAD no frequency). This variant has not been reported in the literature in individuals affected with CDH1-related conditions. Algorithms developed to predict the effect of sequence changes on RNA splicing suggest that this variant may disrupt the consensus splice site. For these reasons, this variant has been classified as Pathogenic.

Dr. Peter K. Rogan Lab, Western University
No classification provided (evidence only). Condition: Familial cancer of breast. Review status: no classification provided. Collection method: in vitro. Allele origin: not applicable. Functional consequence: retained intron. Not counted in ClinVar's aggregate classification.

Literature cited by the submitters: PubMed 15235021 (cited by Labcorp Genetics (formerly Invitae), Labcorp); PubMed 20373070 (cited by Labcorp Genetics (formerly Invitae), Labcorp).